The following is an entry in ClinVar:

ClinVar aggregate classification (germline): Uncertain significance (1 of 4 stars; one submission).

Submission:

Labcorp Genetics (formerly Invitae), Labcorp
Classification: Uncertain significance. Last evaluated: 2025-12-16. Review status: criteria provided, single submitter. Criteria: Invitae Variant Classification Sherloc (09022015). Collection method: clinical testing. Allele origin: germline.
Comment: This sequence change replaces leucine, which is neutral and non-polar, with phenylalanine, which is neutral and non-polar, at codon 1915 of the GREB1L protein (p.Leu1915Phe). This variant is not present in population databases (gnomAD no frequency). This variant has not been reported in the literature in individuals affected with GREB1L-related conditions. An algorithm developed to predict the effect of missense changes on protein structure and function (PolyPhen-2) suggests that this variant is likely to be disruptive. In summary, the available evidence is currently insufficient to determine the role of this variant in disease. Therefore, it has been classified as a Variant of Uncertain Significance.

NM_001142966.3(GREB1L):c.5743C>T (p.Leu1915Phe)

Gene: GREB1L (GREB1 like retinoic acid receptor coactivator; plus strand). Cytogenetic location: 18q11.2.
Variant type: single nucleotide variant.
Coding change: c.5743C>T on transcript NM_001142966.3 (MANE Select); coding-DNA position 5743, C replaced by T.
Protein change: p.Leu1915Phe; replaces leucine 1915 with phenylalanine.
Molecular consequence: missense variant.
Genome position (GRCh38, 1-based): chr18:21,522,792, C>T. VCF-style: chr18-21522792-C-T. GRCh37 (hg19) VCF-style: chr18-19102753-C-T.
Other names: c.5872C>T, p.Leu1958Phe (NM_001410867.1); c.5416C>T, p.Leu1806Phe (NM_001410868.1); short protein forms L1915F, L1958F, L1806F.
Identifiers: ClinVar variation 4767424 (VCV004767424.1).